The following is an entry in ClinVar:

NM_003482.4(KMT2D):c.12205C>T (p.Leu4069Phe)

Gene: KMT2D (lysine methyltransferase 2D; minus strand). Cytogenetic location: 12q13.12.
Variant type: single nucleotide variant.
Coding change: c.12205C>T on transcript NM_003482.4 (MANE Select); coding-DNA position 12205, C replaced by T.
Protein change: p.Leu4069Phe; replaces leucine 4069 with phenylalanine.
Molecular consequence: missense variant.
Genome position (GRCh38, 1-based): chr12:49,032,500, G>A on the plus strand (C>T on the coding strand, the complement: KMT2D is on the minus strand). VCF-style: chr12-49032500-G-A. GRCh37 (hg19) VCF-style: chr12-49426283-G-A.
Other names: c.12205C>T (NM_003482.3); short protein forms L4069F.
Identifiers: ClinVar variation 1412971 (VCV001412971.9), dbSNP rs774658767, ClinGen allele CA6546232.

ClinVar aggregate classification (germline): Conflicting classifications of pathogenicity. Review status: criteria provided, conflicting classifications (1 of 4 stars). 2 submissions from 2 submitters: Uncertain significance (1); Benign (1). Last evaluated 2026-01-04.

Conditions:
Kabuki syndrome. Also called: Kabuki make-up syndrome; NIIKAWA-KUROKI SYNDROME. Identifiers: Orphanet 2322, MedGen C0796004, MONDO:0016512.
KMT2D-related disorder. Also called: KMT2D-Related Disorders.

Allele frequency attached by ClinVar (database versions not stated): gnomAD 0.00003 and 0.00004; TOPMed 0.00005; gnomAD exomes 0.00007; ExAC 0.00008.
gnomAD v4.1: 172 of 1,576,676 alleles (0.011%); highest among the groups gnomAD compares: Non-Finnish European, 0.014%; no homozygotes.

Submissions (2):

Labcorp Genetics (formerly Invitae), Labcorp
Classification: Benign for Kabuki syndrome. Last evaluated: 2026-01-04. Review status: criteria provided, single submitter. Criteria: Invitae Variant Classification Sherloc (09022015). Collection method: clinical testing. Allele origin: germline.

PreventionGenetics, part of Exact Sciences
Classification: Uncertain significance for KMT2D-related condition. Last evaluated: 2025-01-29. Review status: criteria provided, single submitter. Criteria: ACMG Guidelines, 2015. Collection method: clinical testing. Allele origin: germline.
Comment: The KMT2D c.12205C>T variant is predicted to result in the amino acid substitution p.Leu4069Phe. To our knowledge, this variant has not been reported in the literature. This variant is reported in 0.016% of alleles in individuals of European (Non-Finnish) descent in gnomAD, which may be too common to be causative. Although we suspect that this variant may be benign, at this time, the clinical significance of this variant is uncertain due to the absence of conclusive functional and genetic evidence.